The following is an entry in ClinVar:

NM_005228.5(EGFR):c.2461A>C (p.Ile821Leu)

Genes: EGFR (epidermal growth factor receptor; plus strand), EGFR-AS1 (EGFR antisense RNA 1; minus strand). Cytogenetic location: 7p11.2.
Variant type: single nucleotide variant.
Coding change: c.2461A>C on transcript NM_005228.5 (MANE Select); coding-DNA position 2461, A replaced by C.
Protein change: p.Ile821Leu; replaces isoleucine 821 with leucine.
Molecular consequence: missense variant. On other transcripts: non-coding transcript variant (1).
Genome position (GRCh38, 1-based): chr7:55,181,470, A>C. VCF-style: chr7-55181470-A-C. GRCh37 (hg19) VCF-style: chr7-55249163-A-C.
Other names: c.2326A>C, p.Ile776Leu (NM_001346897.2, NM_001346899.2); c.2461A>C, p.Ile821Leu (NM_001346898.2); c.2302A>C, p.Ile768Leu (NM_001346900.2); c.1660A>C, p.Ile554Leu (NM_001346941.2); short protein forms I554L, I776L, I768L, I821L.
Identifiers: ClinVar variation 4016727 (VCV004016727.1).

ClinVar aggregate classification (germline): Uncertain significance (1 of 4 stars; one submission).

Conditions:
Hereditary cancer-predisposing syndrome. Also called: Tumor predisposition; Hereditary neoplastic syndrome; Neoplastic Syndromes, Hereditary; Hereditary Cancer Syndrome. Identifiers: Orphanet 140162, MedGen C0027672, MeSH D009386, MONDO:0015356.

Submission:

Ambry Genetics
Classification: Uncertain significance for Hereditary cancer-predisposing syndrome. Last evaluated: 2025-04-05. Review status: criteria provided, single submitter. Criteria: Ambry Variant Classification Scheme 2023. Collection method: clinical testing. Allele origin: germline.
Comment: The p.I821L variant (also known as c.2461A>C), located in coding exon 20 of the EGFR gene, results from an A to C substitution at nucleotide position 2461. The isoleucine at codon 821 is replaced by leucine, an amino acid with highly similar properties. This amino acid position is conserved. In addition, the in silico prediction for this alteration is inconclusive. Based on the available evidence, the clinical significance of this variant remains unclear.